The following is an entry in ClinVar:

ClinVar aggregate classification (germline): Likely benign (1 of 4 stars; one submission).

Allele frequency attached by ClinVar (database versions not stated): TOPMed 0.00002.
gnomAD v4.1: 10 of 1,613,970 alleles (0.00062%); highest among the groups gnomAD compares: African/African-American, 0.011%; no homozygotes.

Submission:

Laboratory for Molecular Medicine, Mass General Brigham Personalized Medicine
Classification: Likely benign. Last evaluated: 2013-11-06. Review status: criteria provided, single submitter. Criteria: LMM Criteria. Collection method: clinical testing. Allele origin: germline. Observed: 1 variant allele.
Comment: 239+7C>G in Intron 4 of COCH: This variant is not expected to have clinical sign ificance because it is not located within the conserved region of the splice con sensus sequence and is not predicted to alter splicing.

NM_004086.3(COCH):c.239+7C>G

Genes: COCH (cochlin; plus strand), LOC100506071 (uncharacterized LOC100506071; minus strand). Cytogenetic location: 14q12.
Variant type: single nucleotide variant.
Coding change: c.239+7C>G on transcript NM_004086.3 (MANE Select); 7 bases into the intron after coding-DNA position 239, C replaced by G.
Molecular consequence: intron variant.
Genome position (GRCh38, 1-based): chr14:30,877,735, C>G. VCF-style: chr14-30877735-C-G. GRCh37 (hg19) VCF-style: chr14-31346941-C-G.
Other names: c.434+7C>G (NM_001347720.2); c.239+7C>G (NM_001135058.2).
Identifiers: ClinVar variation 162971 (VCV000162971.4), dbSNP rs377273539, ClinGen allele CA175554.